The following is an entry in ClinVar:

NM_014994.3(MAPKBP1):c.241A>G (p.Lys81Glu)

Gene: MAPKBP1 (mitogen-activated protein kinase binding protein 1; plus strand). Cytogenetic location: 15q15.1.
Variant type: single nucleotide variant.
Coding change: c.241A>G on transcript NM_014994.3 (MANE Select); coding-DNA position 241, A replaced by G.
Protein change: p.Lys81Glu; replaces lysine 81 with glutamic acid.
Molecular consequence: missense variant. On other transcripts: non-coding transcript variant (2).
Genome position (GRCh38, 1-based): chr15:41,810,917, A>G. VCF-style: chr15-41810917-A-G. GRCh37 (hg19) VCF-style: chr15-42103115-A-G.
Other names: c.241A>G, p.Lys81Glu (NM_001128608.2, NM_001265611.2); short protein forms K81E.
Identifiers: ClinVar variation 1423788 (VCV001423788.6), dbSNP rs762281420, ClinGen allele CA7497473.
Genomic context (GRCh38, chr15:41,810,917, plus strand): 5'-AGCCTGTTGTCTGCTCATCTCCTCAGGTGTGTGGTTGTGTTGTTCAATCCCCGGAAACAC[A>G]AACAGCACCACATCCTCAACAGTTCCAGGTAAATGGGCTGGGGTCCTCAGGATACCTCTT-3'
Protein context (NP_055809.2, residues 71-91): VVVLFNPRKH[Lys81Glu]QHHILNSSRK

ClinVar aggregate classification (germline): Uncertain significance (1 of 4 stars; one submission).

Allele frequency attached by ClinVar (database versions not stated): ExAC 0.00001; gnomAD 0.00001 and 0.00003; gnomAD exomes 0.00001; TOPMed 0.00001.
gnomAD v4.1: 19 of 1,614,172 alleles (0.0012%); highest among the groups gnomAD compares: Middle Eastern, 0.016%; no homozygotes.

Submission:

Labcorp Genetics (formerly Invitae), Labcorp
Classification: Uncertain significance. Last evaluated: 2022-06-28. Review status: criteria provided, single submitter. Criteria: Invitae Variant Classification Sherloc (09022015). Collection method: clinical testing. Allele origin: germline.
Comment: In summary, the available evidence is currently insufficient to determine the role of this variant in disease. Therefore, it has been classified as a Variant of Uncertain Significance. Algorithms developed to predict the effect of missense changes on protein structure and function are either unavailable or do not agree on the potential impact of this missense change (SIFT: "Tolerated"; PolyPhen-2: "Possibly Damaging"; Align-GVGD: "Class C0"). This variant has not been reported in the literature in individuals affected with MAPKBP1-related conditions. This variant is present in population databases (rs762281420, gnomAD 0.006%). This sequence change replaces lysine, which is basic and polar, with glutamic acid, which is acidic and polar, at codon 81 of the MAPKBP1 protein (p.Lys81Glu).